The following is an entry in ClinVar:

ClinVar aggregate classification (germline): Uncertain significance (1 of 4 stars; one submission).

Allele frequency attached by ClinVar (database versions not stated): gnomAD exomes 0.00002 and 0.00006; gnomAD 0.00003; TOPMed 0.00005; ExAC 0.00002.
gnomAD v4.1: 31 of 1,579,892 alleles (0.002%); highest among the groups gnomAD compares: Admixed American, 0.033%; 1 homozygote.

Submission:

Labcorp Genetics (formerly Invitae), Labcorp
Classification: Uncertain significance. Last evaluated: 2024-05-20. Review status: criteria provided, single submitter. Criteria: Invitae Variant Classification Sherloc (09022015). Collection method: clinical testing. Allele origin: germline.
Comment: This sequence change falls in intron 7 of the HPS5 gene. It does not directly change the encoded amino acid sequence of the HPS5 protein. It affects a nucleotide within the consensus splice site. This variant is present in population databases (rs758394300, gnomAD 0.04%). This variant has not been reported in the literature in individuals affected with HPS5-related conditions. ClinVar contains an entry for this variant (Variation ID: 1466401). Variants that disrupt the consensus splice site are a relatively common cause of aberrant splicing (PMID: 17576681, 9536098). Algorithms developed to predict the effect of sequence changes on RNA splicing suggest that this variant is not likely to affect RNA splicing. In summary, the available evidence is currently insufficient to determine the role of this variant in disease. Therefore, it has been classified as a Variant of Uncertain Significance.

Literature cited by the submitters: PubMed 17576681; PubMed 9536098.

NM_181507.2(HPS5):c.824+6G>A

Gene: HPS5 (HPS5 biogenesis of lysosomal organelles complex 2 subunit 2; minus strand). Cytogenetic location: 11p15.1.
Variant type: single nucleotide variant.
Coding change: c.824+6G>A on transcript NM_181507.2 (MANE Select); 6 bases into the intron after coding-DNA position 824, G replaced by A.
Molecular consequence: intron variant.
Genome position (GRCh38, 1-based): chr11:18,306,129, C>T on the plus strand (G>A on the coding strand, the complement: HPS5 is on the minus strand). VCF-style: chr11-18306129-C-T. GRCh37 (hg19) VCF-style: chr11-18327676-C-T.
Other names: c.482+6G>A (NM_001440929.1, NM_181508.2, NM_001440921.1 and 10 more transcripts); c.713+6G>A (NM_001440915.1, NM_001440914.1, NM_001440913.1); c.824+6G>A (NM_001440931.1, NM_001440917.1, NM_001440906.1 and 5 more transcripts); c.749+6G>A (NM_001440907.1, NM_001440909.1, NM_001440908.1); c.612-636G>A (NM_001440919.1); c.638+6G>A (NM_001440918.1).
Identifiers: ClinVar variation 1466401 (VCV001466401.4), dbSNP rs758394300, ClinGen allele CA5910344.